The following is an entry in ClinVar:

NM_001692.4(ATP6V1B1):c.69delinsGG (p.Glu24fs)

Gene: ATP6V1B1 (ATPase H+ transporting V1 subunit B1; plus strand). Cytogenetic location: 2p13.3.
Variant type: Indel.
Coding change: c.69delinsGG on transcript NM_001692.4 (MANE Select); coding-DNA position 69, A replaced by GG.
Protein change: p.Glu24fs; shifts the reading frame from glutamic acid 24.
Molecular consequence: frameshift variant.
Genome position (GRCh38, 1-based): chr2:70,936,023, A replaced by GG. VCF-style: chr2-70936023-A-GG. GRCh37 (hg19) VCF-style: chr2-71163153-A-GG.
Other names: short protein forms E24fs.
Identifiers: ClinVar variation 4539022 (VCV004539022.1).

ClinVar aggregate classification (germline): Likely pathogenic (1 of 4 stars; one submission).

Conditions:
Renal tubulopathies.

Submission:

Genetics Laboratory, Great Ormond Street Hospital NHS Foundation Trust, North Thames Genomic Laboratory Hub
Classification: Likely pathogenic for Renal tubulopathies. Last evaluated: 2025-10-30. Review status: criteria provided, single submitter. Criteria: ACGS Best Practice Guidelines for Variant Classification in Rare Disease 2024 v1.2. Collection method: clinical testing. Allele origin: germline. Affected: yes.
Comment: PM2_moderate, PVS1_strong